The following is an entry in ClinVar:

NM_001098.3(ACO2):c.36+243G>T

Gene: ACO2 (aconitase 2; plus strand). Cytogenetic location: 22q13.2.
Variant type: single nucleotide variant.
Coding change: c.36+243G>T on transcript NM_001098.3 (MANE Select); 243 bases into the intron after coding-DNA position 36, G replaced by T.
Molecular consequence: intron variant.
Genome position (GRCh38, 1-based): chr22:41,469,425, G>T. VCF-style: chr22-41469425-G-T. GRCh37 (hg19) VCF-style: chr22-41865429-G-T.
Identifiers: ClinVar variation 4534764 (VCV004534764.6).

ClinVar aggregate classification (germline): Likely benign (1 of 4 stars; one submission).

Submission:

CeGaT Center for Human Genetics Tuebingen
Classification: Likely benign. Last evaluated: 2025-10-01. Review status: criteria provided, single submitter. Criteria: CeGaT Center For Human Genetics Tuebingen Variant Classification Criteria Version 2. Collection method: clinical testing. Allele origin: germline. Affected: yes. Observed: 1 variant allele.
Comment: ACO2: BP4, BP7